The following is an entry in ClinVar:

NM_015160.3(PMPCA):c.12G>C (p.Val4=)

Gene: PMPCA (peptidase, mitochondrial processing subunit alpha; plus strand). Cytogenetic location: 9q34.3.
Variant type: single nucleotide variant.
Coding change: c.12G>C on transcript NM_015160.3 (MANE Select); coding-DNA position 12, G replaced by C.
Protein change: p.Val4=; no amino-acid change (valine 4 retained).
Molecular consequence: synonymous variant. On other transcripts: 5 prime UTR variant (2).
Genome position (GRCh38, 1-based): chr9:136,410,680, G>C. VCF-style: chr9-136410680-G-C. GRCh37 (hg19) VCF-style: chr9-139305132-G-C.
Other names: p.Val4=; c.-287G>C (NM_001282944.2, NM_001282946.2).
Identifiers: ClinVar variation 3609496 (VCV003609496.3).

ClinVar aggregate classification (germline): Likely benign. Review status: criteria provided, multiple submitters, no conflicts (2 of 4 stars). 2 submissions from 2 submitters: Likely benign (2). Last evaluated 2025-11-06.

gnomAD v4.1: 35 of 1,414,770 alleles (0.0025%); highest among the groups gnomAD compares: Non-Finnish European, 0.003%; no homozygotes.

Submissions (2):

Mayo Clinic Laboratories, Mayo Clinic
Classification: Likely benign. Last evaluated: 2025-11-06. Review status: criteria provided, single submitter. Criteria: ACMG Guidelines, 2015. Collection method: clinical testing. Allele origin: germline. Observed: 1 variant allele.
Comment: BP4, BP7

Labcorp Genetics (formerly Invitae), Labcorp
Classification: Likely benign. Last evaluated: 2024-11-11. Review status: criteria provided, single submitter. Criteria: Invitae Variant Classification Sherloc (09022015). Collection method: clinical testing. Allele origin: germline.